The following is an entry in ClinVar:

ClinVar aggregate classification (germline): Conflicting classifications of pathogenicity. Review status: criteria provided, conflicting classifications (1 of 4 stars). 4 submissions from 4 submitters: Pathogenic (1); Likely pathogenic (1); Uncertain significance (2). Last evaluated 2026-09-01.

Conditions:
RIN2-related disorder. Also called: RIN2-related condition.

Allele frequency attached by ClinVar (database versions not stated): gnomAD exomes 0.00002; gnomAD 0.00003; TOPMed 0.00004; ExAC 0.00006.
gnomAD v4.1: 30 of 1,523,986 alleles (0.002%); highest among the groups gnomAD compares: African/African-American, 0.0084%; no homozygotes.

Submissions (4):

CeGaT Center for Human Genetics Tuebingen
Classification: Uncertain significance. Last evaluated: 2026-09-01. Review status: criteria provided, single submitter. Criteria: CeGaT Center For Human Genetics Tuebingen Variant Classification Criteria Version 2. Collection method: clinical testing. Allele origin: germline. Affected: yes. Observed: 2 variant alleles.
Comment: RIN2: PM2, PVS1:Moderate

Labcorp Genetics (formerly Invitae), Labcorp
Classification: Pathogenic. Last evaluated: 2025-09-06. Review status: criteria provided, single submitter. Criteria: Invitae Variant Classification Sherloc (09022015). Collection method: clinical testing. Allele origin: germline.
Comment: This sequence change creates a premature translational stop signal (p.Arg14*) in the RIN2 gene. It is expected to result in an absent or disrupted protein product. Loss-of-function variants in RIN2 are known to be pathogenic (PMID: 19631308). This variant is present in population databases (rs777979761, gnomAD 0.02%). This variant has not been reported in the literature in individuals affected with RIN2-related conditions. ClinVar contains an entry for this variant (Variation ID: 2140100). For these reasons, this variant has been classified as Pathogenic.

GeneDx
Classification: Likely pathogenic. Last evaluated: 2024-09-16. Review status: criteria provided, single submitter. Criteria: GeneDx Variant Classification Process June 2021. Collection method: clinical testing. Allele origin: germline. Affected: yes.
Comment: Nonsense variant predicted to result in protein truncation or nonsense mediated decay in a gene for which loss of function is a known mechanism of disease; Has not been previously published as pathogenic or benign to our knowledge

PreventionGenetics, part of Exact Sciences
Classification: Uncertain significance for RIN2-related condition. Last evaluated: 2023-07-18. Review status: criteria provided, single submitter. Criteria: ACMG Guidelines, 2015. Collection method: clinical testing. Allele origin: germline.
Comment: The RIN2 c.187C>T variant is predicted to result in premature protein termination (p.Arg63*). This variant is alternatively described as c.40C>T (p.Arg14*) using the canonical transcript (NM_018993.4). To our knowledge, this variant has not been reported in the literature. This variant is reported in 0.018% of alleles in individuals of African descent in gnomAD. Loss-of-function variants downstream of this variant have been associated with autosomal recessive RIN2-related disorders (see for example Basel-Vanagaite L et al 2009. PubMed ID: 19631308). However, to our knowledge, there are no documented causative variants upstream of the c.187C>T (p.Arg63*) variant identified in this individual. Although we suspect that this variant may be pathogenic, at this time, the clinical significance of this variant is uncertain due to the absence of conclusive functional and genetic evidence.

Literature cited by the submitters: PubMed 19631308 (cited by Labcorp Genetics (formerly Invitae), Labcorp).

NM_018993.4(RIN2):c.40C>T (p.Arg14Ter)

Gene: RIN2 (Ras and Rab interactor 2; plus strand). Cytogenetic location: 20p11.23.
Variant type: single nucleotide variant.
Coding change: c.40C>T on transcript NM_018993.4 (MANE Select); coding-DNA position 40, C replaced by T.
Protein change: p.Arg14Ter; replaces arginine 14 with a stop codon.
Molecular consequence: nonsense. On other transcripts: 5 prime UTR variant (1).
Genome position (GRCh38, 1-based): chr20:19,889,641, C>T. VCF-style: chr20-19889641-C-T. GRCh37 (hg19) VCF-style: chr20-19870285-C-T.
Other names: c.40C>T (NM_018993.3); c.187C>T (NM_001242581.1); c.187C>T, p.Arg63Ter (NM_001242581.2); c.-506C>T (NM_001378238.1); short protein forms R14*, R63*.
Identifiers: ClinVar variation 2140100 (VCV002140100.7), dbSNP rs777979761, ClinGen allele CA9779685.